The following is an entry in ClinVar:

ClinVar aggregate classification (germline): Uncertain significance (1 of 4 stars; one submission).

Conditions:
Cardiovascular phenotype. Identifiers: MedGen CN230736.

Submission:

Ambry Genetics
Classification: Uncertain significance for Cardiovascular phenotype. Last evaluated: 2025-01-28. Review status: criteria provided, single submitter. Criteria: Ambry Variant Classification Scheme 2023. Collection method: clinical testing. Allele origin: germline.
Comment: The p.K888N variant (also known as c.2664G>T), located in coding exon 1 of the ZNF469 gene, results from a G to T substitution at nucleotide position 2664. The lysine at codon 888 is replaced by asparagine, an amino acid with similar properties. This amino acid position is conserved. In addition, this alteration is predicted to be tolerated by in silico analysis. Based on the available evidence, the clinical significance of this variant remains unclear.

NM_001367624.2(ZNF469):c.2664G>T (p.Lys888Asn)

Gene: ZNF469 (zinc finger protein 469; plus strand). Cytogenetic location: 16q24.2.
Variant type: single nucleotide variant.
Coding change: c.2664G>T on transcript NM_001367624.2 (MANE Select); coding-DNA position 2664, G replaced by T.
Protein change: p.Lys888Asn; replaces lysine 888 with asparagine.
Molecular consequence: missense variant.
Genome position (GRCh38, 1-based): chr16:88,430,134, G>T. VCF-style: chr16-88430134-G-T. GRCh37 (hg19) VCF-style: chr16-88496542-G-T.
Other names: NM_001127464.1:c.2664G>T; short protein forms K888N.
Identifiers: ClinVar variation 3821126 (VCV003821126.1).